The following is an entry in ClinVar:

NM_003900.5(SQSTM1):c.847A>G (p.Ser283Gly)

Gene: SQSTM1 (sequestosome 1; plus strand). Cytogenetic location: 5q35.3.
Variant type: single nucleotide variant.
Coding change: c.847A>G on transcript NM_003900.5 (MANE Select); coding-DNA position 847, A replaced by G.
Protein change: p.Ser283Gly; replaces serine 283 with glycine.
Molecular consequence: missense variant.
Genome position (GRCh38, 1-based): chr5:179,833,124, A>G. VCF-style: chr5-179833124-A-G. GRCh37 (hg19) VCF-style: chr5-179260124-A-G.
Other names: c.595A>G, p.Ser199Gly (NM_001142298.2, NM_001142299.2); short protein forms S283G, S199G.
Identifiers: ClinVar variation 1498386 (VCV001498386.8), dbSNP rs148559402, ClinGen allele CA3600704.

ClinVar aggregate classification (germline): Uncertain significance (1 of 4 stars; one submission).

Conditions:
Frontotemporal dementia and/or amyotrophic lateral sclerosis 1 (FTDALS1). Also called: C9orf72 Frontotemporal Dementia and/or Amyotrophic Lateral Sclerosis; Frontotemporal dementia with motor neuron disease 1. Identifiers: Orphanet 275872, MedGen C5779877, MONDO:0007105, OMIM 105550.
Paget disease of bone 2, early-onset (PDB2). Also called: Paget disease of bone 2. Identifiers: MedGen C4085251, MONDO:0011183, OMIM 602080.

Allele frequency attached by ClinVar (database versions not stated): gnomAD exomes below 0.00001 and 0.00001; TOPMed 0.00001; ExAC 0.00002; gnomAD 0.00002; ESP Exome Variant Server 0.00015.
gnomAD v4.1: 9 of 1,614,106 alleles (0.00056%); highest among the groups gnomAD compares: Non-Finnish European, 0.00068%; no homozygotes.

Submission:

Labcorp Genetics (formerly Invitae), Labcorp
Classification: Uncertain significance for Paget disease of bone 2, early-onset; Frontotemporal dementia and/or amyotrophic lateral sclerosis 1. Last evaluated: 2024-02-03. Review status: criteria provided, single submitter. Criteria: Invitae Variant Classification Sherloc (09022015). Collection method: clinical testing. Allele origin: germline.
Comment: This sequence change replaces serine, which is neutral and polar, with glycine, which is neutral and non-polar, at codon 283 of the SQSTM1 protein (p.Ser283Gly). This variant is present in population databases (rs148559402, gnomAD 0.003%). This variant has not been reported in the literature in individuals affected with SQSTM1-related conditions. ClinVar contains an entry for this variant (Variation ID: 1498386). Advanced modeling of protein sequence and biophysical properties (such as structural, functional, and spatial information, amino acid conservation, physicochemical variation, residue mobility, and thermodynamic stability) performed at Invitae indicates that this missense variant is not expected to disrupt SQSTM1 protein function with a negative predictive value of 80%. In summary, the available evidence is currently insufficient to determine the role of this variant in disease. Therefore, it has been classified as a Variant of Uncertain Significance.